The following is an entry in ClinVar:

NM_000465.4(BARD1):c.403G>A (p.Asp135Asn)

Gene: BARD1 (BRCA1 associated RING domain 1; minus strand). Cytogenetic location: 2q35.
Variant type: single nucleotide variant.
Coding change: c.403G>A on transcript NM_000465.4 (MANE Select); coding-DNA position 403, G replaced by A.
Protein change: p.Asp135Asn; replaces aspartic acid 135 with asparagine.
Molecular consequence: missense variant. On other transcripts: non-coding transcript variant (2), intron variant (3).
Genome position (GRCh38, 1-based): chr2:214,781,471, C>T on the plus strand (G>A on the coding strand, the complement: BARD1 is on the minus strand). VCF-style: chr2-214781471-C-T. GRCh37 (hg19) VCF-style: chr2-215646195-C-T.
Other names: c.403G>A (NM_000465.2); c.346G>A, p.Asp116Asn (NM_001282543.2); c.158+27941G>A (NM_001282548.2); c.215+15590G>A (NM_001282545.2); c.364+10826G>A (NM_001282549.2); short protein forms D135N, D116N.
Identifiers: ClinVar variation 460748 (VCV000460748.11), dbSNP rs747455698, ClinGen allele CA2090428.

ClinVar aggregate classification (germline): Uncertain significance. Review status: criteria provided, multiple submitters, no conflicts (2 of 4 stars). 2 submissions from 2 submitters: Uncertain significance (2). Last evaluated 2025-04-21.

Conditions:
Familial cancer of breast. Also called: BREAST CANCER, FAMILIAL; hereditary breast carcinoma; Hereditary breast cancer. Identifiers: Orphanet 227535, MedGen C0346153, MONDO:0016419, OMIM 114480. Disease mechanism: loss of function.
Hereditary cancer-predisposing syndrome. Also called: Neoplastic Syndromes, Hereditary; Tumor predisposition; Hereditary Cancer Syndrome; Hereditary neoplastic syndrome. Identifiers: Orphanet 140162, MedGen C0027672, MeSH D009386, MONDO:0015356.

Allele frequency attached by ClinVar (database versions not stated): gnomAD exomes below 0.00001; ExAC 0.00001.
gnomAD v4.1: 1 of 1,612,168 alleles (0.000062%); highest among the groups gnomAD compares: East Asian, 0.0022%; no homozygotes.

Submissions (2):

Labcorp Genetics (formerly Invitae), Labcorp
Classification: Uncertain significance for Familial cancer of breast. Last evaluated: 2025-04-21. Review status: criteria provided, single submitter. Criteria: Invitae Variant Classification Sherloc (09022015). Collection method: clinical testing. Allele origin: germline.
Comment: This sequence change replaces aspartic acid, which is acidic and polar, with asparagine, which is neutral and polar, at codon 135 of the BARD1 protein (p.Asp135Asn). This variant is present in population databases (rs747455698, gnomAD 0.006%). This missense change has been observed in individual(s) with breast cancer (PMID: 33933153). ClinVar contains an entry for this variant (Variation ID: 460748). An algorithm developed to predict the effect of missense changes on protein structure and function outputs the following: PolyPhen-2: "Benign". The asparagine amino acid residue is found in multiple mammalian species, which suggests that this missense change does not adversely affect protein function. Experimental studies have shown that this missense change affects BARD1 function (PMID: 33933153). In summary, the available evidence is currently insufficient to determine the role of this variant in disease. Therefore, it has been classified as a Variant of Uncertain Significance.

Ambry Genetics
Classification: Uncertain significance for Hereditary cancer-predisposing syndrome. Last evaluated: 2023-02-17. Review status: criteria provided, single submitter. Criteria: Ambry Variant Classification Scheme 2023. Collection method: clinical testing. Allele origin: germline.
Comment: The p.D135N variant (also known as c.403G>A), located in coding exon 4 of the BARD1 gene, results from a G to A substitution at nucleotide position 403. The aspartic acid at codon 135 is replaced by asparagine, an amino acid with highly similar properties. This alteration was identified in an individual diagnosed with breast cancer (Zheng Y et al. Breast Cancer Res, 2021 May;23:53). This amino acid position is not well conserved in available vertebrate species. In addition, this alteration is predicted to be tolerated by in silico analysis. Since supporting evidence is limited at this time, the clinical significance of this alteration remains unclear.

Literature cited by the submitters: PubMed 33933153 (cited by Labcorp Genetics (formerly Invitae), Labcorp and Ambry Genetics).